The following is an entry in ClinVar:

ClinVar aggregate classification (germline): Uncertain significance (1 of 4 stars; one submission).

Conditions:
Inborn genetic diseases. Identifiers: MedGen C0950123, MeSH D030342.

Submission:

Ambry Genetics
Classification: Uncertain significance for Inborn genetic diseases. Last evaluated: 2022-01-26. Review status: criteria provided, single submitter. Criteria: Ambry Variant Classification Scheme 2023. Collection method: clinical testing. Allele origin: germline.
Comment: The p.R999L variant (also known as c.2996G>T), located in coding exon 23 of the BUB1B gene, results from a G to T substitution at nucleotide position 2996. The arginine at codon 999 is replaced by leucine, an amino acid with dissimilar properties. This amino acid position is conserved. In addition, the in silico prediction for this alteration is inconclusive. Since supporting evidence is limited at this time, the clinical significance of this alteration remains unclear.

NM_001211.6(BUB1B):c.2996G>T (p.Arg999Leu)

Genes: BUB1B (BUB1 mitotic checkpoint serine/threonine kinase B; plus strand), BUB1B-PAK6 (BUB1B-PAK6 readthrough; plus strand). Cytogenetic location: 15q15.1.
Variant type: single nucleotide variant.
Coding change: c.2996G>T on transcript NM_001211.6 (MANE Select); coding-DNA position 2996, G replaced by T.
Protein change: p.Arg999Leu; replaces arginine 999 with leucine.
Molecular consequence: missense variant. On other transcripts: intron variant (2).
Genome position (GRCh38, 1-based): chr15:40,220,602, G>T. VCF-style: chr15-40220602-G-T. GRCh37 (hg19) VCF-style: chr15-40512803-G-T.
Other names: c.-201+2935G>T (NM_001128628.3); c.-118+2935G>T (NM_001128629.3); short protein forms R999L.
Identifiers: ClinVar variation 1798579 (VCV001798579.2), dbSNP rs377612791, ClinGen allele CA391689488.
Genomic context (GRCh38, chr15:40,220,602, plus strand): 5'-AAATGGTTTTATATATTTTTAGGCTAAAAGATGGTGAATTGTGGAATAAATTCTTTGTGC[G>T]GATTCTGAATGCCAATGATGAGGCCACAGTGTCTGTTCTTGGGGAGCTTGCAGCAGAAAT-3'
Protein context (NP_001202.5, residues 989-1009): DGELWNKFFV[Arg999Leu]ILNANDEATV